The following is an entry in ClinVar:

NM_000603.5(NOS3):c.2183G>A (p.Arg728Gln)

Gene: NOS3 (nitric oxide synthase 3; plus strand). Cytogenetic location: 7q36.1.
Variant type: single nucleotide variant.
Coding change: c.2183G>A on transcript NM_000603.5 (MANE Select); coding-DNA position 2183, G replaced by A.
Protein change: p.Arg728Gln; replaces arginine 728 with glutamine.
Molecular consequence: missense variant.
Genome position (GRCh38, 1-based): chr7:151,009,000, G>A. VCF-style: chr7-151009000-G-A. GRCh37 (hg19) VCF-style: chr7-150706088-G-A.
Other names: short protein forms R728Q.
Identifiers: ClinVar variation 3768020 (VCV003768020.1).

ClinVar aggregate classification (germline): Uncertain significance (1 of 4 stars; one submission).

gnomAD v4.1: 79 of 1,611,688 alleles (0.0049%); highest among the groups gnomAD compares: South Asian, 0.0033%; no homozygotes.

Submission:

Women's Health and Genetics/Laboratory Corporation of America, LabCorp
Classification: Uncertain significance. Last evaluated: 2024-12-16. Review status: criteria provided, single submitter. Criteria: LabCorp Variant Classification Summary - May 2015. Collection method: clinical testing. Allele origin: germline.
Comment: Variant summary: NOS3 c.2183G>A (p.Arg728Gln) results in a conservative amino acid change in the encoded protein sequence. Five of five in-silico tools predict a benign effect of the variant on protein function. The variant allele was found at a frequency of 9.9e-05 in 243570 control chromosomes. This frequency is not significantly higher than estimated for a pathogenic variant in NOS3 causing NOS3-Related Disorders, allowing no conclusion about variant significance. To our knowledge, no occurrence of c.2183G>A in individuals affected with NOS3-Related Disorders and no experimental evidence demonstrating its impact on protein function have been reported. No submitters have cited clinical-significance assessments for this variant to ClinVar. Based on the evidence outlined above, the variant was classified as uncertain significance.